The following is an entry in ClinVar:

ClinVar aggregate classification (germline): Uncertain significance (1 of 4 stars; one submission).

Allele frequency attached by ClinVar (database versions not stated): gnomAD exomes below 0.00001 and 0.00001; gnomAD 0.00001; TOPMed 0.00001.
gnomAD v4.1: 17 of 1,611,416 alleles (0.0011%); highest among the groups gnomAD compares: African/African-American, 0.015%; no homozygotes.

Submission:

Labcorp Genetics (formerly Invitae), Labcorp
Classification: Uncertain significance. Last evaluated: 2025-08-11. Review status: criteria provided, single submitter. Criteria: Invitae Variant Classification Sherloc (09022015). Collection method: clinical testing. Allele origin: germline.
Comment: This sequence change replaces glutamine, which is neutral and polar, with arginine, which is basic and polar, at codon 901 of the PCLO protein (p.Gln901Arg). This variant is present in population databases (no rsID available, gnomAD 0.007%). This variant has not been reported in the literature in individuals affected with PCLO-related conditions. ClinVar contains an entry for this variant (Variation ID: 1423483). Experimental studies and prediction algorithms are not available or were not evaluated, and the functional significance of this variant is currently unknown. In summary, the available evidence is currently insufficient to determine the role of this variant in disease. Therefore, it has been classified as a Variant of Uncertain Significance.

NM_033026.6(PCLO):c.2702A>G (p.Gln901Arg)

Gene: PCLO (piccolo presynaptic cytomatrix protein; minus strand). Cytogenetic location: 7q21.11.
Variant type: single nucleotide variant.
Coding change: c.2702A>G on transcript NM_033026.6 (MANE Select); coding-DNA position 2702, A replaced by G.
Protein change: p.Gln901Arg; replaces glutamine 901 with arginine.
Molecular consequence: missense variant.
Genome position (GRCh38, 1-based): chr7:83,134,848, T>C on the plus strand (A>G on the coding strand, the complement: PCLO is on the minus strand). VCF-style: chr7-83134848-T-C. GRCh37 (hg19) VCF-style: chr7-82764164-T-C.
Other names: c.2702A>G, p.Gln901Arg (NM_014510.3); short protein forms Q901R.
Identifiers: ClinVar variation 1423483 (VCV001423483.7), dbSNP rs1412893679, ClinGen allele CA367899131.